The following is an entry in ClinVar:

NM_213599.3(ANO5):c.2051C>T (p.Thr684Ile)

Gene: ANO5 (anoctamin 5; plus strand). Cytogenetic location: 11p14.3.
Variant type: single nucleotide variant.
Coding change: c.2051C>T on transcript NM_213599.3 (MANE Select); coding-DNA position 2051, C replaced by T.
Protein change: p.Thr684Ile; replaces threonine 684 with isoleucine.
Molecular consequence: missense variant.
Genome position (GRCh38, 1-based): chr11:22,272,805, C>T. VCF-style: chr11-22272805-C-T. GRCh37 (hg19) VCF-style: chr11-22294351-C-T.
Other names: c.2048C>T, p.Thr683Ile (NM_001142649.2); short protein forms T684I, T683I.
Identifiers: ClinVar variation 468838 (VCV000468838.9), dbSNP rs1554934236, ClinGen allele CA379923615.

ClinVar aggregate classification (germline): Uncertain significance (1 of 4 stars; one submission).

Conditions:
Autosomal recessive limb-girdle muscular dystrophy type 2L (LGMDR12). Also called: Limb-Girdle Muscular Dystrophy R12 Anoctamin-5-Related (LGMD-R12); Limb-girdle muscular dystrophy, type 2L; MUSCULAR DYSTROPHY, LIMB-GIRDLE, AUTOSOMAL RECESSIVE 12. Identifiers: Orphanet 206549, MedGen C1969785, MONDO:0012652, OMIM 611307.
Gnathodiaphyseal dysplasia (GDD). Also called: GNATHODIAPHYSEAL SCLEROSIS; OSTEOGENESIS IMPERFECTA WITH UNUSUAL SKELETAL LESIONS. Identifiers: Orphanet 53697, MedGen C1833736, MONDO:0008151, OMIM 166260.

Submission:

Labcorp Genetics (formerly Invitae), Labcorp
Classification: Uncertain significance for Autosomal recessive limb-girdle muscular dystrophy type 2L; Gnathodiaphyseal dysplasia. Last evaluated: 2022-02-09. Review status: criteria provided, single submitter. Criteria: Invitae Variant Classification Sherloc (09022015). Collection method: clinical testing. Allele origin: germline.
Comment: This variant is not present in population databases (gnomAD no frequency). In summary, the available evidence is currently insufficient to determine the role of this variant in disease. Therefore, it has been classified as a Variant of Uncertain Significance. Advanced modeling of protein sequence and biophysical properties (such as structural, functional, and spatial information, amino acid conservation, physicochemical variation, residue mobility, and thermodynamic stability) performed at Invitae indicates that this missense variant is expected to disrupt ANO5 protein function. ClinVar contains an entry for this variant (Variation ID: 468838). This variant has not been reported in the literature in individuals affected with ANO5-related conditions. This sequence change replaces threonine, which is neutral and polar, with isoleucine, which is neutral and non-polar, at codon 684 of the ANO5 protein (p.Thr684Ile).